The following is an entry in ClinVar:

ClinVar aggregate classification (germline): Conflicting classifications of pathogenicity. Review status: criteria provided, conflicting classifications (1 of 4 stars). 2 submissions from 2 submitters: Uncertain significance (1); Likely benign (1). Last evaluated 2026-05-01.

Allele frequency attached by ClinVar (database versions not stated): gnomAD exomes 0.00001 and 0.00003; ExAC 0.00005.
gnomAD v4.1: 8 of 1,211,898 alleles (0.00066%); highest among the groups gnomAD compares: Admixed American, 0.015%; no homozygotes.

Submissions (2):

CeGaT Center for Human Genetics Tuebingen
Classification: Likely benign. Last evaluated: 2026-05-01. Review status: criteria provided, single submitter. Criteria: CeGaT Center For Human Genetics Tuebingen Variant Classification Criteria Version 2. Collection method: clinical testing. Allele origin: germline. Affected: yes. Observed: 1 variant allele.
Comment: PCDH19: BS2

GeneDx
Classification: Uncertain significance. Last evaluated: 2017-09-05. Review status: criteria provided, single submitter. Criteria: GeneDx Variant Classification (06012015). Collection method: clinical testing. Allele origin: germline. Affected: yes.
Comment: The G483S variant has not been published as a pathogenic variant, nor has it been reported as a benign variant to our knowledge. The G483S variant is observed in 4/9317 (0.04%) alleles from individuals of Latino background (Lek et al., 2016; 1000 Genomes Consortium et al., 2015; Exome Variant Server). The G483S variant is a non-conservative amino acid substitution, which is likely to impact secondary protein structure as these residues differ in polarity, charge, size and/or other properties. This substitution occurs at a position that is conserved across species, and in silico analysis predicts this variant is probably damaging to the protein structure/function. Based on the currently available information, it is unclear whether this variant is a pathogenic variant or a rare benign variant.

NM_001184880.2(PCDH19):c.1447G>A (p.Gly483Ser)

Gene: PCDH19 (protocadherin 19; minus strand). Cytogenetic location: Xq22.1.
Variant type: single nucleotide variant.
Coding change: c.1447G>A on transcript NM_001184880.2 (MANE Select); coding-DNA position 1447, G replaced by A.
Protein change: p.Gly483Ser; replaces glycine 483 with serine.
Molecular consequence: missense variant.
Genome position (GRCh38, 1-based): chrX:100,407,151, C>T on the plus strand (G>A on the coding strand, the complement: PCDH19 is on the minus strand). VCF-style: chrX-100407151-C-T. GRCh37 (hg19) VCF-style: chrX-99662149-C-T.
Other names: c.1447G>A, p.Gly483Ser (NM_001105243.2, NM_020766.3); short protein forms G483S.
Identifiers: ClinVar variation 451813 (VCV000451813.4), dbSNP rs776683765, ClinGen allele CA10468881.
Genomic context (GRCh38, chrX:100,407,151, plus strand): 5'-AGACAGGCATGTCCCGCACCTGCGACGGCACGATCTGGTAGGAGACACTGCCGTTGAGAC[C>T]CAGGTCGGGGTCGCGAGCAGACACAGAGAGCAGATAGGCGCCAGGCGTGTTGTTCTCCTG-3'
Protein context (NP_001171809.1, residues 473-493): LSVSARDPDL[Gly483Ser]LNGSVSYQIV